The following is an entry in ClinVar:

ClinVar aggregate classification (germline): Uncertain significance. Review status: criteria provided, multiple submitters, no conflicts (2 of 4 stars). 2 submissions from 2 submitters: Uncertain significance (2). Last evaluated 2025-07-22.

Conditions:
Spastic paraplegia. Identifiers: MedGen C0037772, HP:0001258.

Allele frequency attached by ClinVar (database versions not stated): TOPMed below 0.00001.
gnomAD v4.1: 13 of 1,614,128 alleles (0.00081%); highest among the groups gnomAD compares: Non-Finnish European, 0.0011%; no homozygotes.

Submissions (2):

Dasa
Classification: Uncertain significance. Last evaluated: 2025-07-22. Review status: criteria provided, single submitter. Criteria: DASA Assertion Criteria. Collection method: clinical testing. Allele origin: germline.
Comment: NM_004984.4(KIF5A):c.2695C>T (p.Arg899Cys) is a missense variant that results in the substitution of arginine with cysteine. This variant is rare in population databases. Computational prediction algorithms are consistent with a deleterious effect. The currently available literature and clinical evidence are not sufficient to establish a definitive association between this variant and the reported condition. Therefore, this variant is classified as a variant of uncertain significance.

Labcorp Genetics (formerly Invitae), Labcorp
Classification: Uncertain significance for Spastic paraplegia. Last evaluated: 2025-03-10. Review status: criteria provided, single submitter. Criteria: Invitae Variant Classification Sherloc (09022015). Collection method: clinical testing. Allele origin: germline.
Comment: This sequence change replaces arginine, which is basic and polar, with cysteine, which is neutral and slightly polar, at codon 899 of the KIF5A protein (p.Arg899Cys). This variant is not present in population databases (gnomAD no frequency). This variant has not been reported in the literature in individuals affected with KIF5A-related conditions. ClinVar contains an entry for this variant (Variation ID: 2098893). Invitae Evidence Modeling of protein sequence and biophysical properties (such as structural, functional, and spatial information, amino acid conservation, physicochemical variation, residue mobility, and thermodynamic stability) has been performed for this missense variant. However, the output from this modeling did not meet the statistical confidence thresholds required to predict the impact of this variant on KIF5A protein function. In summary, the available evidence is currently insufficient to determine the role of this variant in disease. Therefore, it has been classified as a Variant of Uncertain Significance.

NM_004984.4(KIF5A):c.2695C>T (p.Arg899Cys)

Gene: KIF5A (kinesin family member 5A; plus strand). Cytogenetic location: 12q13.3.
Variant type: single nucleotide variant.
Coding change: c.2695C>T on transcript NM_004984.4 (MANE Select); coding-DNA position 2695, C replaced by T.
Protein change: p.Arg899Cys; replaces arginine 899 with cysteine.
Molecular consequence: missense variant.
Genome position (GRCh38, 1-based): chr12:57,581,112, C>T. VCF-style: chr12-57581112-C-T. GRCh37 (hg19) VCF-style: chr12-57974895-C-T.
Other names: c.2428C>T, p.Arg810Cys (NM_001354705.2); short protein forms R899C, R810C.
Identifiers: ClinVar variation 2098893 (VCV002098893.6), dbSNP rs1882582077, ClinGen allele CA385515312.